The following is an entry in ClinVar:

NM_001367479.1(DNAH14):c.10773del (p.Ala3592fs)

Gene: DNAH14 (dynein axonemal heavy chain 14; plus strand). Cytogenetic location: 1q42.12.
Variant type: Deletion.
Coding change: c.10773del on transcript NM_001367479.1 (MANE Select); coding-DNA position 10773, one base deleted (A; older notation c.10773delA).
Protein change: p.Ala3592fs; shifts the reading frame from alanine 3592.
Molecular consequence: frameshift variant.
Genome position (GRCh38, 1-based): chr1:225,346,056, A deleted; the last of 7 consecutive A bases (chr1:225,346,050-225,346,056); deleting any one gives the same sequence. VCF-style (leftmost placement, unchanged base first): chr1-225346049-CA-C. GRCh37 (hg19) VCF-style: chr1-225533751-CA-C.
Other names: NM_001373.1:c.10494del; short protein forms A3592fs.
Identifiers: ClinVar variation 3372093 (VCV003372093.2).
Genomic context (GRCh38, chr1:225,346,049, plus strand): 5'-TAGATACCTTAAGAAAATCCAAAATGACATCAAACGAAATTTCAAAGCGCATCGAAGCAA[CA>C]AAAAAAGCTGAAAGTGAAATCCAAGCAATACGTAAAAACTATCTCCCCATTGCGACCCGA-3'

ClinVar aggregate classification (germline): Uncertain significance. Review status: criteria provided, multiple submitters, no conflicts (2 of 4 stars). 2 submissions from 2 submitters: Uncertain significance (2). Last evaluated 2026-05-07.

Submissions (2):

Greenwood Genetic Center Diagnostic Laboratories, Greenwood Genetic Center
Classification: Uncertain significance. Last evaluated: 2026-05-07. Review status: criteria provided, single submitter. Criteria: ACMG Guidelines, 2015. Collection method: clinical testing. Allele origin: germline.
Comment: Gene of Uncertain Significance

GeneDx
Classification: Uncertain significance. Last evaluated: 2024-04-19. Review status: criteria provided, single submitter. Criteria: GeneDx Variant Classification Process June 2021. Collection method: clinical testing. Allele origin: germline. Affected: yes.
Comment: Not observed at significant frequency in large population cohorts (gnomAD); Frameshift variant predicted to result in protein truncation or nonsense mediated decay in a gene or region of a gene for which loss of function is not a well-established mechanism of disease; Has not been previously published as pathogenic or benign to our knowledge